The following is an entry in ClinVar:

ClinVar aggregate classification (germline): Uncertain significance (1 of 4 stars; one submission).

Conditions:
Familial adenomatous polyposis 1 (FAP1). Also called: POLYPOSIS, ADENOMATOUS INTESTINAL; FAMILIAL ADENOMATOUS POLYPOSIS 1, ATTENUATED. Identifiers: MedGen C2713442, MONDO:0021056, OMIM 175100. Disease mechanism: loss of function.

gnomAD v4.1: 1 of 1,613,838 alleles (0.000062%); no homozygotes.

Submission:

Labcorp Genetics (formerly Invitae), Labcorp
Classification: Uncertain significance for Familial adenomatous polyposis 1. Last evaluated: 2023-09-06. Review status: criteria provided, single submitter. Criteria: Invitae Variant Classification Sherloc (09022015). Collection method: clinical testing. Allele origin: germline.
Comment: This sequence change replaces threonine, which is neutral and polar, with alanine, which is neutral and non-polar, at codon 2353 of the APC protein (p.Thr2353Ala). This variant is not present in population databases (gnomAD no frequency). This variant has not been reported in the literature in individuals affected with APC-related conditions. Advanced modeling of protein sequence and biophysical properties (such as structural, functional, and spatial information, amino acid conservation, physicochemical variation, residue mobility, and thermodynamic stability) performed at Invitae indicates that this missense variant is not expected to disrupt APC protein function. In summary, the available evidence is currently insufficient to determine the role of this variant in disease. Therefore, it has been classified as a Variant of Uncertain Significance.

NM_000038.6(APC):c.7057A>G (p.Thr2353Ala)

Gene: APC (APC regulator of Wnt signaling pathway; plus strand). Cytogenetic location: 5q22.2.
Variant type: single nucleotide variant.
Coding change: c.7057A>G on transcript NM_000038.6 (MANE Select); coding-DNA position 7057, A replaced by G.
Protein change: p.Thr2353Ala; replaces threonine 2353 with alanine.
Molecular consequence: missense variant. On other transcripts: non-coding transcript variant (2).
Genome position (GRCh38, 1-based): chr5:112,842,651, A>G. VCF-style: chr5-112842651-A-G. GRCh37 (hg19) VCF-style: chr5-112178348-A-G.
Other names: c.7057A>G, p.Thr2353Ala (NM_001127510.3, NM_001354895.2, NM_001407450.1); c.7003A>G, p.Thr2335Ala (NM_001127511.3); c.7111A>G, p.Thr2371Ala (NM_001354896.2, NM_001407447.1, NM_001407448.1 and 1 more transcripts); c.7087A>G, p.Thr2363Ala (NM_001354897.2); c.6982A>G, p.Thr2328Ala (NM_001354898.2); c.6973A>G, p.Thr2325Ala (NM_001354899.2); c.6934A>G, p.Thr2312Ala (NM_001354900.2); c.6880A>G, p.Thr2294Ala (NM_001354901.2, NM_001407453.1); and 11 more; short protein forms T2193A, T2343A, T2346A, T2227A, T2252A, T2270A, T2312A, T2325A.
Identifiers: ClinVar variation 2758433 (VCV002758433.3), dbSNP rs2149979100, ClinGen allele CA16036709.